The following is an entry in ClinVar:

ClinVar aggregate classification (germline): Pathogenic (1 of 4 stars; one submission).

Submission:

GeneDx
Classification: Pathogenic. Last evaluated: 2017-01-05. Review status: criteria provided, single submitter. Criteria: GeneDx Variant Classification (06012015). Collection method: clinical testing. Allele origin: germline. Affected: yes.
Comment: The c.2255dupA pathogenic variant in the CASK gene causes a frameshift starting with codon Asparagine 752, changes this amino acid to a Lysine residue and creates a premature Stop codon at position 38 of the new reading frame, denoted p.N752KfsX38. This pathogenic variant is predicted to cause loss of normal protein function either through protein truncation or nonsense-mediated mRNA decay. It was not observed in approximately 6,500 individuals of European and African American ancestry in the NHLBI Exome Sequencing Project, indicating it is not a common benign variant in these populations

NM_001367721.1(CASK):c.2270dup (p.Asn757fs)

Gene: CASK (calcium/calmodulin dependent serine protein kinase; minus strand). Cytogenetic location: Xp11.4.
Variant type: Duplication.
Coding change: c.2270dup on transcript NM_001367721.1 (MANE Select); coding-DNA position 2270, one base duplicated (A; older notation c.2270dupA).
Protein change: p.Asn757fs; shifts the reading frame from asparagine 757.
Molecular consequence: frameshift variant.
Genome position (GRCh38, 1-based): chrX:41,534,753, T duplicated on the plus strand (A on the coding strand, the reverse complement: CASK is on the minus strand); the first of 6 consecutive T bases (chrX:41,534,753-41,534,758); duplicating any one gives the same sequence. VCF-style (leftmost placement, unchanged base first): chrX-41534752-G-GT. GRCh37 (hg19) VCF-style: chrX-41394005-G-GT.
Other names: c.2255dupA (NM_003688.3); c.2181dup, p.Asn729Lysfs (NM_001126054.3); c.2178dup, p.Asn728Lysfs (NM_001126055.3); c.2247dup, p.Asn751Lysfs (NM_001410745.1); c.2250dup, p.Asn752Lysfs (NM_003688.4); short protein forms N757fs, N729fs, N752fs, N728fs.
Identifiers: ClinVar variation 280437 (VCV000280437.2), dbSNP rs886041645, ClinGen allele CA10603594.